The following is an entry in ClinVar:

NC_000020.10:g.(?_44044789)_(44054466_?)dup

Gene: PIGT (phosphatidylinositol glycan anchor biosynthesis class T; plus strand). Cytogenetic location: 20q13.12.
Variant type: Duplication.
Identifiers: ClinVar variation 3248307 (VCV003248307.1).

ClinVar aggregate classification (germline): Uncertain significance (1 of 4 stars; one submission).

Conditions:
Multiple congenital anomalies-hypotonia-seizures syndrome 3 (MCAHS3). Also called: GLYCOSYLPHOSPHATIDYLINOSITOL BIOSYNTHESIS DEFECT 7. Identifiers: Orphanet 369837, MedGen C3809356, MONDO:0014165, OMIM 615398.

Submission:

Labcorp Genetics (formerly Invitae), Labcorp
Classification: Uncertain significance for Multiple congenital anomalies-hypotonia-seizures syndrome 3. Last evaluated: 2023-07-18. Review status: criteria provided, single submitter. Criteria: Invitae Variant Classification Sherloc (09022015). Collection method: clinical testing. Allele origin: unknown.
Comment: In summary, the available evidence is currently insufficient to determine the role of this variant in disease. Therefore, it has been classified as a Variant of Uncertain Significance. This variant has not been reported in the literature in individuals affected with PIGT-related conditions. A copy number gain of the genomic region encompassing the full coding sequence of the PIGT gene has been identified. The boundaries of this event are unknown as they extend beyond the assayed region for this gene and therefore may encompass additional genes. As the precise location of this event is unknown, it may be in tandem or it may be located elsewhere in the genome.